The following is an entry in ClinVar:

ClinVar aggregate classification (germline): Pathogenic. Review status: criteria provided, multiple submitters, no conflicts (2 of 4 stars). 2 submissions from 2 submitters: Pathogenic (2). Last evaluated 2026-02-02.

Conditions:
Methylmalonic acidemia with homocystinuria, type cblJ (MAHCJ). Also called: METHYLMALONIC ACIDURIA AND HOMOCYSTINURIA, cblJ TYPE. Identifiers: Orphanet 369955, MedGen C3553915, MONDO:0013925, OMIM 614857.
Cobalamin C disease. Also called: Methylmalonic aciduria with homocystinuria cblC type; Cobalamin-C methylmalonic acidemia and homocystinuria; Methylmalonic acidemia and homocystinuria cblC type; Methylmalonic aciduria and homocystinuria, Vitamin B12-responsive; Vitamin B12 metabolic defect with combined deficiency of methylmalonyl-CoA mutase and homocysteine:methyltetrahydrofolate methyltransferase; methylmalonic aciduria and homocystinuria type cblC. Identifiers: Orphanet 26, Orphanet 79282, MedGen C1848561, MONDO:0010184, OMIM 277400.

Submissions (2):

Women's Health and Genetics/Laboratory Corporation of America, LabCorp
Classification: Pathogenic for Cobalamin C disease. Last evaluated: 2026-02-02. Review status: criteria provided, single submitter. Criteria: LabCorp Variant Classification Summary - May 2015. Collection method: clinical testing. Allele origin: germline.
Comment: Variant summary: ABCD4 c.1246_1247delAG (p.Ser416ProfsX51) results in a premature termination codon, predicted to cause a truncation of the encoded protein or absence of the protein due to nonsense mediated decay, which are commonly known mechanisms for disease. The variant allele was found at a frequency of 8e-06 in 251480 control chromosomes. To our knowledge, no occurrence of c.1246_1247delAG in individuals affected with ABCD4-related conditions and no experimental evidence demonstrating its impact on protein function have been reported. No submitters have cited clinical-significance assessments for this variant to ClinVar. Based on the evidence outlined above, the variant was classified as pathogenic.

Labcorp Genetics (formerly Invitae), Labcorp
Classification: Pathogenic for Methylmalonic acidemia with homocystinuria, type cblJ. Last evaluated: 2025-12-24. Review status: criteria provided, single submitter. Criteria: Invitae Variant Classification Sherloc (09022015). Collection method: clinical testing. Allele origin: germline.
Comment: This sequence change creates a premature translational stop signal (p.Ser416Profs*51) in the ABCD4 gene. It is expected to result in an absent or disrupted protein product. Loss-of-function variants in ABCD4 are known to be pathogenic (PMID: 22922874). This variant is present in population databases (rs773345921, gnomAD 0.002%). This variant has not been reported in the literature in individuals affected with ABCD4-related conditions. For these reasons, this variant has been classified as Pathogenic.

Literature cited by the submitters: PubMed 22922874 (cited by Labcorp Genetics (formerly Invitae), Labcorp).

NM_005050.4(ABCD4):c.1246_1247del (p.Ser416fs)

Gene: ABCD4 (ATP binding cassette subfamily D member 4; minus strand). Cytogenetic location: 14q24.3.
Variant type: Microsatellite.
Coding change: c.1246_1247del on transcript NM_005050.4 (MANE Select); coding-DNA positions 1246 to 1247, 2 bases deleted (AG; older notation c.1246_1247delAG).
Protein change: p.Ser416fs; shifts the reading frame from serine 416.
Molecular consequence: frameshift variant. On other transcripts: non-coding transcript variant (10).
Genome position (GRCh38, 1-based): chr14:74,290,371-74,290,372, CT deleted on the plus strand (AG on the coding strand, the reverse complement: ABCD4 is on the minus strand); deleting any 2 consecutive bases within chr14:74,290,371-74,290,374 gives the same sequence; the c. name uses the placement nearest the transcript's 3' end. VCF-style (leftmost placement, unchanged base first): chr14-74290370-GCT-G. GRCh37 (hg19) VCF-style: chr14-74757073-GCT-G.
Other names: c.1246_1247delAG (NM_005050.4); c.1120_1121del, p.Ser374fs (NM_001353591.2, NM_001353592.2); c.985_986del, p.Ser329fs (NM_001353593.2); c.934_935del, p.Ser312fs (NM_001353594.2); c.832_833del, p.Ser278fs (NM_001353595.2, NM_001353596.2); c.781_782del, p.Ser261fs (NM_001353597.2); c.769_770del, p.Ser257fs (NM_001353598.2, NM_001353599.2, NM_001353600.2 and 3 more transcripts); c.457_458del, p.Ser153fs (NM_001353602.2, NM_001353603.2, NM_001353604.2 and 6 more transcripts); and 2 more; short protein forms S416fs, S257fs, S261fs, S325fs, S153fs, S278fs, S312fs, S329fs.
Identifiers: ClinVar variation 4744293 (VCV004744293.2).